The following is an entry in ClinVar:

NM_003136.4(SRP54):c.1108G>T (p.Ala370Ser)

Gene: SRP54 (signal recognition particle 54; plus strand). Cytogenetic location: 14q13.2.
Variant type: single nucleotide variant.
Coding change: c.1108G>T on transcript NM_003136.4 (MANE Select); coding-DNA position 1108, G replaced by T.
Protein change: p.Ala370Ser; replaces alanine 370 with serine.
Molecular consequence: missense variant.
Genome position (GRCh38, 1-based): chr14:35,019,026, G>T. VCF-style: chr14-35019026-G-T. GRCh37 (hg19) VCF-style: chr14-35488232-G-T.
Other names: c.961G>T, p.Ala321Ser (NM_001146282.2); c.1108G>T, p.Ala370Ser (NM_001411017.1, NM_001440813.1); short protein forms A321S, A370S.
Identifiers: ClinVar variation 4781481 (VCV004781481.1).

ClinVar aggregate classification (germline): Uncertain significance (1 of 4 stars; one submission).

Submission:

Labcorp Genetics (formerly Invitae), Labcorp
Classification: Uncertain significance. Last evaluated: 2026-02-01. Review status: criteria provided, single submitter. Criteria: Invitae Variant Classification Sherloc (09022015). Collection method: clinical testing. Allele origin: germline.
Comment: This sequence change replaces alanine, which is neutral and non-polar, with serine, which is neutral and polar, at codon 370 of the SRP54 protein (p.Ala370Ser). This variant is not present in population databases (gnomAD no frequency). This variant has not been reported in the literature in individuals affected with SRP54-related conditions. Invitae Evidence Modeling of protein sequence and biophysical properties (such as structural, functional, and spatial information, amino acid conservation, physicochemical variation, residue mobility, and thermodynamic stability) indicates that this missense variant is not expected to disrupt SRP54 protein function with a negative predictive value of 80%. In summary, the available evidence is currently insufficient to determine the role of this variant in disease. Therefore, it has been classified as a Variant of Uncertain Significance.